The following is an entry in ClinVar:

NM_001963.6(EGF):c.1469del (p.Ser490fs)

Gene: EGF (epidermal growth factor; plus strand). Cytogenetic location: 4q25.
Variant type: Deletion.
Coding change: c.1469del on transcript NM_001963.6 (MANE Select); coding-DNA position 1469, one base deleted (C; older notation c.1469delC).
Protein change: p.Ser490fs; shifts the reading frame from serine 490.
Molecular consequence: frameshift variant.
Genome position (GRCh38, 1-based): chr4:109,964,431, C deleted. VCF-style (leftmost placement, unchanged base first): chr4-109964430-TC-T. GRCh37 (hg19) VCF-style: chr4-110885586-TC-T.
Other names: c.1469del, p.Ser490fs (NM_001178130.3); c.1343del, p.Ser448fs (NM_001178131.3, NM_001357021.2); short protein forms S448fs, S490fs.
Identifiers: ClinVar variation 2039400 (VCV002039400.4), dbSNP rs2545789731, ClinGen allele CA2580071352.

ClinVar aggregate classification (germline): Uncertain significance (1 of 4 stars; one submission).

Submission:

Labcorp Genetics (formerly Invitae), Labcorp
Classification: Uncertain significance. Last evaluated: 2022-08-16. Review status: criteria provided, single submitter. Criteria: Invitae Variant Classification Sherloc (09022015). Collection method: clinical testing. Allele origin: germline.
Comment: In summary, the available evidence is currently insufficient to determine the role of this variant in disease. Therefore, it has been classified as a Variant of Uncertain Significance. This variant has not been reported in the literature in individuals affected with EGF-related conditions. This variant is not present in population databases (gnomAD no frequency). This sequence change creates a premature translational stop signal (p.Ser490Phefs*28) in the EGF gene. It is expected to result in an absent or disrupted protein product. However, the current clinical and genetic evidence is not sufficient to establish whether loss-of-function variants in EGF cause disease.